The following is an entry in ClinVar:

NM_001195305.3(BBIP1):c.50T>C (p.Ile17Thr)

Gene: BBIP1 (BBSome interacting protein 1; minus strand). Cytogenetic location: 10q25.2.
Variant type: single nucleotide variant.
Coding change: c.50T>C on transcript NM_001195305.3 (MANE Select); coding-DNA position 50, T replaced by C.
Protein change: p.Ile17Thr; replaces isoleucine 17 with threonine.
Molecular consequence: missense variant. On other transcripts: synonymous variant (1), 5 prime UTR variant (1), intron variant (1).
Genome position (GRCh38, 1-based): chr10:110,901,600, A>G on the plus strand (T>C on the coding strand, the complement: BBIP1 is on the minus strand). VCF-style: chr10-110901600-A-G. GRCh37 (hg19) VCF-style: chr10-112661358-A-G.
Other names: c.207T>C, p.Tyr69= (NM_001195304.2); c.50T>C, p.Ile17Thr (NM_001195306.2); c.-17T>C (NM_001243783.3); c.38-1074T>C (NM_001195307.2); short protein forms I17T.
Identifiers: ClinVar variation 3356811 (VCV003356811.1).

ClinVar aggregate classification (germline): Uncertain significance (0 of 4 stars; one submission).

Conditions:
BBIP1-related disorder. Also called: BBIP1-related condition.

gnomAD v4.1: 2 of 1,535,174 alleles (0.00013%); highest among the groups gnomAD compares: African/African-American, 0.0014%; no homozygotes.

Submission:

PreventionGenetics, part of Exact Sciences
Classification: Uncertain significance for BBIP1-related condition. Last evaluated: 2024-08-30. Review status: no assertion criteria provided. Collection method: clinical testing. Allele origin: germline.
Comment: The BBIP1 c.50T>C variant is predicted to result in the amino acid substitution p.Ile17Thr. To our knowledge, this variant has not been reported in the literature. This variant is reported in 0.0044% of alleles in individuals of South Asian descent in gnomAD. At this time, the clinical significance of this variant is uncertain due to the absence of conclusive functional and genetic evidence.